The following is an entry in ClinVar:

NM_006922.4(SCN3A):c.1732T>C (p.Phe578Leu)

Gene: SCN3A (sodium voltage-gated channel alpha subunit 3; minus strand). Cytogenetic location: 2q24.3.
Variant type: single nucleotide variant.
Coding change: c.1732T>C on transcript NM_006922.4 (MANE Select); coding-DNA position 1732, T replaced by C.
Protein change: p.Phe578Leu; replaces phenylalanine 578 with leucine.
Molecular consequence: missense variant.
Genome position (GRCh38, 1-based): chr2:165,140,938, A>G on the plus strand (T>C on the coding strand, the complement: SCN3A is on the minus strand). VCF-style: chr2-165140938-A-G. GRCh37 (hg19) VCF-style: chr2-165997448-A-G.
Other names: c.1732T>C, p.Phe578Leu (NM_001081676.2, NM_001081677.2); short protein forms F578L.
Identifiers: ClinVar variation 652136 (VCV000652136.33), dbSNP rs774982624, ClinGen allele CA1939090.

ClinVar aggregate classification (germline): Uncertain significance. Review status: criteria provided, multiple submitters, no conflicts (2 of 4 stars). 3 submissions from 3 submitters: Uncertain significance (3). Last evaluated 2025-02-24.

Conditions:
Inborn genetic diseases. Identifiers: MedGen C0950123, MeSH D030342.

Allele frequency attached by ClinVar (database versions not stated): gnomAD 0.00001; gnomAD exomes 0.00001 and 0.00002; ExAC 0.00002; TOPMed 0.00002.
gnomAD v4.1: 25 of 1,613,988 alleles (0.0015%); highest among the groups gnomAD compares: Middle Eastern, 0.016%; no homozygotes.

Submissions (3):

Labcorp Genetics (formerly Invitae), Labcorp
Classification: Uncertain significance. Last evaluated: 2025-02-24. Review status: criteria provided, single submitter. Criteria: Invitae Variant Classification Sherloc (09022015). Collection method: clinical testing. Allele origin: germline.
Comment: This sequence change replaces phenylalanine, which is neutral and non-polar, with leucine, which is neutral and non-polar, at codon 578 of the SCN3A protein (p.Phe578Leu). This variant is present in population databases (rs774982624, gnomAD 0.003%). This variant has not been reported in the literature in individuals affected with SCN3A-related conditions. ClinVar contains an entry for this variant (Variation ID: 652136). Invitae Evidence Modeling of protein sequence and biophysical properties (such as structural, functional, and spatial information, amino acid conservation, physicochemical variation, residue mobility, and thermodynamic stability) has been performed for this missense variant. However, the output from this modeling did not meet the statistical confidence thresholds required to predict the impact of this variant on SCN3A protein function. In summary, the available evidence is currently insufficient to determine the role of this variant in disease. Therefore, it has been classified as a Variant of Uncertain Significance.

Ambry Genetics
Classification: Uncertain significance for Inborn genetic diseases. Last evaluated: 2023-11-03. Review status: criteria provided, single submitter. Criteria: Ambry Variant Classification Scheme 2023. Collection method: clinical testing. Allele origin: germline.

CeGaT Center for Human Genetics Tuebingen
Classification: Uncertain significance. Last evaluated: 2022-11-01. Review status: criteria provided, single submitter. Criteria: CeGaT Center For Human Genetics Tuebingen Variant Classification Criteria Version 2. Collection method: clinical testing. Allele origin: germline. Affected: yes. Observed: 1 variant allele.
Comment: SCN3A: PP2, PP3